The following is an entry in ClinVar:

NM_000179.3(MSH6):c.3539C>T (p.Ser1180Leu)

Gene: MSH6 (mutS homolog 6; plus strand). Cytogenetic location: 2p16.3.
Variant type: single nucleotide variant.
Coding change: c.3539C>T on transcript NM_000179.3 (MANE Select); coding-DNA position 3539, C replaced by T.
Protein change: p.Ser1180Leu; replaces serine 1180 with leucine.
Molecular consequence: missense variant. On other transcripts: non-coding transcript variant (4).
Genome position (GRCh38, 1-based): chr2:47,805,010, C>T. VCF-style: chr2-47805010-C-T. GRCh37 (hg19) VCF-style: chr2-48032149-C-T.
Other names: c.3149C>T, p.Ser1050Leu (NM_001281492.2); c.2633C>T, p.Ser878Leu (NM_001281493.2, NM_001281494.2, NM_001406811.1 and 6 more transcripts); c.3635C>T, p.Ser1212Leu (NM_001406795.1, NM_001406802.1); c.3539C>T, p.Ser1180Leu (NM_001406796.1, NM_001406800.1, NM_001406808.1 and 1 more transcripts); c.3242C>T, p.Ser1081Leu (NM_001406797.1, NM_001406801.1, NM_001406805.1 and 10 more transcripts); c.3365C>T, p.Ser1122Leu (NM_001406798.1); c.3014C>T, p.Ser1005Leu (NM_001406799.1, NM_001406806.1, NM_001406807.1); c.2675C>T, p.Ser892Leu (NM_001406803.1); and 7 more; short protein forms S1050L, S107L, S1154L, S1182L, S658L, S892L, S1081L, S1122L.
Identifiers: ClinVar variation 2567454 (VCV002567454.5), dbSNP rs766905993, ClinGen allele CA346760245.

ClinVar aggregate classification (germline): Uncertain significance. Review status: criteria provided, multiple submitters, no conflicts (2 of 4 stars). 2 submissions from 2 submitters: Uncertain significance (2). Last evaluated 2024-09-25.

Conditions:
Hereditary nonpolyposis colorectal neoplasms. Identifiers: MedGen C0009405, MeSH D003123.
Hereditary cancer-predisposing syndrome. Also called: Hereditary neoplastic syndrome; Hereditary Cancer Syndrome; Neoplastic Syndromes, Hereditary; Tumor predisposition. Identifiers: Orphanet 140162, MedGen C0027672, MeSH D009386, MONDO:0015356.

gnomAD v4.1: 1 of 1,612,644 alleles (0.000062%); highest among the groups gnomAD compares: Non-Finnish European, 0.000085%; no homozygotes.

Submissions (2):

Labcorp Genetics (formerly Invitae), Labcorp
Classification: Uncertain significance for Hereditary nonpolyposis colorectal neoplasms. Last evaluated: 2024-09-25. Review status: criteria provided, single submitter. Criteria: Invitae Variant Classification Sherloc (09022015). Collection method: clinical testing. Allele origin: germline.
Comment: This sequence change replaces serine, which is neutral and polar, with leucine, which is neutral and non-polar, at codon 1180 of the MSH6 protein (p.Ser1180Leu). This variant is not present in population databases (gnomAD no frequency). This variant has not been reported in the literature in individuals affected with MSH6-related conditions. ClinVar contains an entry for this variant (Variation ID: 2567454). Invitae Evidence Modeling of protein sequence and biophysical properties (such as structural, functional, and spatial information, amino acid conservation, physicochemical variation, residue mobility, and thermodynamic stability) has been performed for this missense variant. However, the output from this modeling did not meet the statistical confidence thresholds required to predict the impact of this variant on MSH6 protein function. In summary, the available evidence is currently insufficient to determine the role of this variant in disease. Therefore, it has been classified as a Variant of Uncertain Significance.

Ambry Genetics
Classification: Uncertain significance for Hereditary cancer-predisposing syndrome. Last evaluated: 2023-04-13. Review status: criteria provided, single submitter. Criteria: Ambry Variant Classification Scheme 2023. Collection method: clinical testing. Allele origin: germline.
Comment: The p.S1180L variant (also known as c.3539C>T), located in coding exon 6 of the MSH6 gene, results from a C to T substitution at nucleotide position 3539. The serine at codon 1180 is replaced by leucine, an amino acid with dissimilar properties. This variant (designated chr2:g47805010C>T) was identified in UK Biobank participant with colorectal cancer (Lu T et al. Genet Med, 2021 Mar;23:508-515). This amino acid position is highly conserved in available vertebrate species. In addition, this alteration is predicted to be deleterious by in silico analysis. Since supporting evidence is limited at this time, the clinical significance of this alteration remains unclear.

Literature cited by the submitters: PubMed 33110269 (cited by Ambry Genetics).